The following is an entry in ClinVar:

NM_001903.5(CTNNA1):c.1737C>G (p.Leu579=)

Gene: CTNNA1 (catenin alpha 1; plus strand). Cytogenetic location: 5q31.2.
Variant type: single nucleotide variant.
Coding change: c.1737C>G on transcript NM_001903.5 (MANE Select); coding-DNA position 1737, C replaced by G.
Protein change: p.Leu579=; no amino-acid change (leucine 579 retained).
Molecular consequence: synonymous variant.
Genome position (GRCh38, 1-based): chr5:138,924,700, C>G. VCF-style: chr5-138924700-C-G. GRCh37 (hg19) VCF-style: chr5-138260389-C-G.
Other names: c.1737C>G, p.Leu579= (NM_001323984.2, NM_001323985.2, NM_001290307.3 and 2 more transcripts); c.1644C>G, p.Leu548= (NM_001323986.2); c.627C>G, p.Leu209= (NM_001323987.1, NM_001323988.1, NM_001323989.1 and 17 more transcripts); c.288C>G, p.Leu96= (NM_001324006.1, NM_001324007.1, NM_001324008.1 and 2 more transcripts); c.534C>G, p.Leu178= (NM_001324011.1); c.384C>G, p.Leu128= (NM_001324012.1, NM_001324013.1); c.1428C>G, p.Leu476= (NM_001290309.3); c.1368C>G, p.Leu456= (NM_001290310.3).
Identifiers: ClinVar variation 1118455 (VCV001118455.12), dbSNP rs1200227847, ClinGen allele CA446597141.

ClinVar aggregate classification (germline): Benign/Likely benign. Review status: criteria provided, multiple submitters, no conflicts (2 of 4 stars). 3 submissions from 3 submitters: Benign (1); Likely benign (2). Last evaluated 2025-11-18.

Conditions:
Hereditary cancer-predisposing syndrome. Also called: Neoplastic Syndromes, Hereditary; Hereditary Cancer Syndrome; Hereditary neoplastic syndrome; Tumor predisposition. Identifiers: Orphanet 140162, MedGen C0027672, MeSH D009386, MONDO:0015356.
Hereditary diffuse gastric adenocarcinoma (HDGC). Also called: DIFFUSE GASTRIC AND LOBULAR BREAST CANCER SYNDROME. Identifiers: Orphanet 26106, MedGen C1708349, MONDO:0007648, OMIM 137215.

Allele frequency attached by ClinVar (database versions not stated): gnomAD 0.00001; gnomAD exomes 0.00001.
gnomAD v4.1: 3 of 1,574,440 alleles (0.00019%); highest among the groups gnomAD compares: Admixed American, 0.0019%; no homozygotes.

Submissions (3):

Labcorp Genetics (formerly Invitae), Labcorp
Classification: Likely benign. Last evaluated: 2025-11-18. Review status: criteria provided, single submitter. Criteria: Invitae Variant Classification Sherloc (09022015). Collection method: clinical testing. Allele origin: germline.

Myriad Genetics, Inc.
Classification: Benign for Hereditary diffuse gastric adenocarcinoma. Last evaluated: 2024-10-14. Review status: criteria provided, single submitter. Criteria: Myriad Autosomal Dominant, Autosomal Recessive and X-Linked Classification Criteria (2023). Collection method: clinical testing. Allele origin: unknown.
Comment: This variant is considered benign. This variant is a silent/synonymous amino acid change and it is not expected to impact splicing.

Ambry Genetics
Classification: Likely benign for Hereditary cancer-predisposing syndrome. Last evaluated: 2022-07-19. Review status: criteria provided, single submitter. Criteria: Ambry Variant Classification Scheme 2023. Collection method: clinical testing. Allele origin: germline.